The following is an entry in ClinVar:

ClinVar aggregate classification (germline): Benign/Likely benign. Review status: criteria provided, multiple submitters, no conflicts (2 of 4 stars). 4 submissions from 4 submitters: Benign (2); Likely benign (2). Last evaluated 2026-01-28.

Conditions:
Xeroderma pigmentosum, group G (XPG). Also called: ERCC5-Related Xeroderma Pigmentosum; XERODERMA PIGMENTOSUM VII; Xeroderma pigmentosum type 7; XP, GROUP G. Identifiers: MedGen C0268141, MONDO:0010216, OMIM 278780.

Allele frequency attached by ClinVar (database versions not stated): gnomAD exomes 0.00061 and 0.00161; ExAC 0.00204; gnomAD 0.00640 and 0.00694; 1000 Genomes Project 0.00699; ESP Exome Variant Server 0.00700; TOPMed 0.00724; 1000 Genomes Project 30x 0.00750.

Submissions (4):

Labcorp Genetics (formerly Invitae), Labcorp
Classification: Benign. Last evaluated: 2026-01-28. Review status: criteria provided, single submitter. Criteria: Invitae Variant Classification Sherloc (09022015). Collection method: clinical testing. Allele origin: germline.

GeneDx
Classification: Likely benign. Last evaluated: 2021-03-12. Review status: criteria provided, single submitter. Criteria: GeneDx Variant Classification Process June 2021. Collection method: clinical testing. Allele origin: germline. Affected: yes.

Illumina Laboratory Services, Illumina
Classification: Benign for Xeroderma pigmentosum, group G. Last evaluated: 2018-01-12. Review status: criteria provided, single submitter. Criteria: ICSL Variant Classification Criteria 13 December 2019. Collection method: clinical testing. Allele origin: germline.
Comment: This variant was observed in the ICSL laboratory as part of a predisposition screen in an ostensibly healthy population. It had not been previously curated by ICSL or reported in the Human Gene Mutation Database (HGMD: prior to June 1st, 2018), and was therefore a candidate for classification through an automated scoring system. Utilizing variant allele frequency, disease prevalence and penetrance estimates, and inheritance mode, an automated score was calculated to assess if this variant is too frequent to cause the disease. Based on the score and internal cut-off values, a variant classified as benign is not then subjected to further curation. The score for this variant resulted in a classification of benign for this disease.

Breakthrough Genomics
Classification: Likely benign. Review status: criteria provided, single submitter. Criteria: ACMG Guidelines, 2015. Collection method: not provided. Allele origin: germline. Inheritance: Autosomal recessive inheritance. Affected: yes.

NM_000123.4(ERCC5):c.2457G>A (p.Arg819=)

Genes: BIVM-ERCC5 (BIVM-ERCC5 readthrough; plus strand), ERCC5 (ERCC excision repair 5, endonuclease; plus strand), LOC126861834 (BRD4-independent group 4 enhancer GRCh37_chr13:103518038-103519237; plus strand). Cytogenetic location: 13q33.1.
Variant type: single nucleotide variant.
Coding change: c.2457G>A on transcript NM_000123.4 (MANE Select); coding-DNA position 2457, G replaced by A.
Protein change: p.Arg819=; no amino-acid change (arginine 819 retained).
Molecular consequence: synonymous variant.
Genome position (GRCh38, 1-based): chr13:102,866,769, G>A. VCF-style: chr13-102866769-G-A. GRCh37 (hg19) VCF-style: chr13-103519119-G-A.
Other names: c.3819G>A, p.Arg1273= (NM_001204425.2).
Identifiers: ClinVar variation 728970 (VCV000728970.15), dbSNP rs73573973, ClinGen allele CA7041647.